The following is an entry in ClinVar:

ClinVar aggregate classification (germline): Pathogenic. Review status: criteria provided, multiple submitters, no conflicts (2 of 4 stars). 2 submissions from 2 submitters: Pathogenic (2). Last evaluated 2024-03-16.

Conditions:
Mitochondrial complex IV deficiency, nuclear type 1 (MC4DN1). Also called: COX DEFICIENCY; Mitochondrial complex IV deficiency; Complex 4 mitochondrial respiratory chain deficiency; Deficiency of mitochondrial respiratory chain complex4; Complex IV deficiency. Identifiers: MedGen C5435656, MONDO:0700250, OMIM 220110. Disease mechanism: loss of function.
Charcot-Marie-Tooth disease type 4K. Also called: CHARCOT-MARIE-TOOTH DISEASE, DEMYELINATING, AUTOSOMAL RECESSIVE, TYPE 4K; CHARCOT-MARIE-TOOTH NEUROPATHY, DEMYELINATING, AUTOSOMAL RECESSIVE, TYPE 4K; CHARCOT-MARIE-TOOTH DISEASE, DEMYELINATING, TYPE 4K. Identifiers: Orphanet 391351, MedGen C4225246, MONDO:0014733, OMIM 616684.
Leigh syndrome (NULS). Also called: Leigh's syndrome; LEIGH SYNDROME, NUCLEAR; Leigh Disease; Subacute necrotizing encephalopathy; Necrotizing encephalopathy infantile subacute of Leigh; Leigh's necrotizing encephalopathy. Identifiers: Orphanet 506, MedGen C2931891, MONDO:0009723, OMIM 256000.

Submissions (2):

Fulgent Genetics
Classification: Pathogenic for Mitochondrial complex IV deficiency, nuclear type 1; Charcot-Marie-Tooth disease type 4K. Last evaluated: 2024-03-16. Review status: criteria provided, single submitter. Criteria: ACMG Guidelines, 2015. Collection method: clinical testing. Allele origin: germline.

Labcorp Genetics (formerly Invitae), Labcorp
Classification: Pathogenic for Leigh syndrome. Last evaluated: 2024-03-06. Review status: criteria provided, single submitter. Criteria: Invitae Variant Classification Sherloc (09022015). Collection method: clinical testing. Allele origin: germline.
Comment: This sequence change creates a premature translational stop signal (p.Gln251Argfs*17) in the SURF1 gene. While this is not anticipated to result in nonsense mediated decay, it is expected to disrupt the last 50 amino acid(s) of the SURF1 protein. This variant is not present in population databases (gnomAD no frequency). This premature translational stop signal has been observed in individual(s) with Leigh syndrome (PMID: 31967322). Algorithms developed to predict the effect of sequence changes on RNA splicing suggest that this variant may disrupt the consensus splice site. This variant disrupts a region of the SURF1 protein in which other variant(s) (p.Lys291*) have been determined to be pathogenic (PMID: 9837813, 25111564, 27756633). This suggests that this is a clinically significant region of the protein, and that variants that disrupt it are likely to be disease-causing. For these reasons, this variant has been classified as Pathogenic.

Literature cited by the submitters: PubMed 31967322 (cited by Labcorp Genetics (formerly Invitae), Labcorp); PubMed 9837813 (cited by Labcorp Genetics (formerly Invitae), Labcorp); PubMed 25111564 (cited by Labcorp Genetics (formerly Invitae), Labcorp); PubMed 27756633 (cited by Labcorp Genetics (formerly Invitae), Labcorp).

NM_003172.4(SURF1):c.751del (p.Gln251fs)

Gene: SURF1 (SURF1 cytochrome c oxidase assembly factor; minus strand). Cytogenetic location: 9q34.2.
Variant type: Deletion.
Coding change: c.751del on transcript NM_003172.4 (MANE Select); coding-DNA position 751, one base deleted (C; older notation c.751delC).
Protein change: p.Gln251fs; shifts the reading frame from glutamine 251.
Molecular consequence: frameshift variant.
Genome position (GRCh38, 1-based): chr9:133,352,446, G deleted on the plus strand (C on the coding strand, the reverse complement: SURF1 is on the minus strand); the first of 2 consecutive G bases (chr9:133,352,446-133,352,447); deleting either gives the same sequence. VCF-style (leftmost placement, unchanged base first): chr9-133352445-CG-C. GRCh37 (hg19) VCF-style: chr9-136219300-CG-C.
Other names: c.424del, p.Gln142fs (NM_001280787.1); short protein forms Q251fs, Q142fs.
Identifiers: ClinVar variation 3596599 (VCV003596599.3).
Genomic context (GRCh38, chr9:133,352,445, plus strand): 5'-AGGAGGAAGGACAGTATTCACAAAAGCTACTTGTTCCGAGATGGGCTGGTCCACAACGTA[CG>C]GAAGTTGGCATCAATGAAGATGGGCTCTGCGCCTGTGATTCTGGCCATAGCTTCCAGGTC-3'